The following is an entry in ClinVar:

NM_020937.4(FANCM):c.1900A>G (p.Asn634Asp)

Gene: FANCM (FA complementation group M; plus strand). Cytogenetic location: 14q21.2.
Variant type: single nucleotide variant.
Coding change: c.1900A>G on transcript NM_020937.4 (MANE Select); coding-DNA position 1900, A replaced by G.
Protein change: p.Asn634Asp; replaces asparagine 634 with aspartic acid.
Molecular consequence: missense variant.
Genome position (GRCh38, 1-based): chr14:45,167,061, A>G. VCF-style: chr14-45167061-A-G. GRCh37 (hg19) VCF-style: chr14-45636264-A-G.
Other names: c.1822A>G, p.Asn608Asp (NM_001308133.2); c.1900A>G, p.Asn634Asp (NM_001308134.2); short protein forms N608D, N634D.
Identifiers: ClinVar variation 4254519 (VCV004254519.1).

ClinVar aggregate classification (germline): Uncertain significance (1 of 4 stars; one submission).

Conditions:
Inborn genetic diseases. Identifiers: MedGen C0950123, MeSH D030342.

gnomAD v4.1: 1 of 1,613,456 alleles (0.000062%); highest among the groups gnomAD compares: East Asian, 0.0022%; no homozygotes.

Submission:

Ambry Genetics
Classification: Uncertain significance for Inborn genetic diseases. Last evaluated: 2025-06-15. Review status: criteria provided, single submitter. Criteria: Ambry Variant Classification Scheme 2023. Collection method: clinical testing. Allele origin: germline.
Comment: The p.N634D variant (also known as c.1900A>G), located in coding exon 11 of the FANCM gene, results from an A to G substitution at nucleotide position 1900. The asparagine at codon 634 is replaced by aspartic acid, an amino acid with highly similar properties. This amino acid position is conserved. In addition, this alteration is predicted to be tolerated by in silico analysis. Based on the available evidence, the clinical significance of this variant remains unclear.